The following is an entry in ClinVar:

NM_024334.3(TMEM43):c.334G>T (p.Ala112Ser)

Gene: TMEM43 (transmembrane protein 43; plus strand). Cytogenetic location: 3p25.1.
Variant type: single nucleotide variant.
Coding change: c.334G>T on transcript NM_024334.3 (MANE Select); coding-DNA position 334, G replaced by T.
Protein change: p.Ala112Ser; replaces alanine 112 with serine.
Molecular consequence: missense variant.
Genome position (GRCh38, 1-based): chr3:14,131,616, G>T. VCF-style: chr3-14131616-G-T. GRCh37 (hg19) VCF-style: chr3-14173116-G-T.
Other names: c.334G>T, p.Ala112Ser (NM_001407274.1, NM_001407275.1, NM_001407276.1 and 2 more transcripts); c.319G>T, p.Ala107Ser (NM_001407278.1); c.184G>T, p.Ala62Ser (NM_001407280.1); short protein forms A62S, A107S, A112S.
Identifiers: ClinVar variation 2566305 (VCV002566305.2), dbSNP rs2470181641, ClinGen allele CA351534833.

ClinVar aggregate classification (germline): Uncertain significance (1 of 4 stars; one submission).

Conditions:
Cardiovascular phenotype. Identifiers: MedGen CN230736.

Submission:

Ambry Genetics
Classification: Uncertain significance for Cardiovascular phenotype. Last evaluated: 2023-03-18. Review status: criteria provided, single submitter. Criteria: Ambry Variant Classification Scheme 2023. Collection method: clinical testing. Allele origin: germline.
Comment: The p.A112S variant (also known as c.334G>T), located in coding exon 4 of the TMEM43 gene, results from a G to T substitution at nucleotide position 334. The alanine at codon 112 is replaced by serine, an amino acid with similar properties. This amino acid position is conserved. In addition, the in silico prediction for this alteration is inconclusive. Since supporting evidence is limited at this time, the clinical significance of this alteration remains unclear.